The following is an entry in ClinVar:

NM_001385012.1(NBEA):c.4511C>T (p.Pro1504Leu)

Gene: NBEA (neurobeachin; plus strand). Cytogenetic location: 13q13.3.
Variant type: single nucleotide variant.
Coding change: c.4511C>T on transcript NM_001385012.1 (MANE Select); coding-DNA position 4511, C replaced by T.
Protein change: p.Pro1504Leu; replaces proline 1504 with leucine.
Molecular consequence: missense variant.
Genome position (GRCh38, 1-based): chr13:35,173,551, C>T. VCF-style: chr13-35173551-C-T. GRCh37 (hg19) VCF-style: chr13-35747688-C-T.
Other names: c.4502C>T, p.Pro1501Leu (NM_001379245.1); c.4511C>T, p.Pro1504Leu (NM_015678.5); short protein forms P1501L, P1504L.
Identifiers: ClinVar variation 3374931 (VCV003374931.1).
Genomic context (GRCh38, chr13:35,173,551, plus strand): 5'-TAGAATGTCGGCAAAGACAGAGAGACAGGGGAAATAAATCTTCCCATGGAAGCAGTAAAC[C>T]TCAGGAAGTTCCTCAAAGTGTGACTGCTACAGCAGCTTCGAAGGTAAGTAAACTTTTTTT-3'
Protein context (NP_001371941.1, residues 1494-1514): GNKSSHGSSK[Pro1504Leu]QEVPQSVTAT

ClinVar aggregate classification (germline): Uncertain significance (1 of 4 stars; one submission).

gnomAD v4.1: 308 of 1,611,784 alleles (0.019%); highest among the groups gnomAD compares: South Asian, 0.31%; 7 homozygotes.

Submission:

Women's Health and Genetics/Laboratory Corporation of America, LabCorp
Classification: Uncertain significance. Last evaluated: 2024-09-10. Review status: criteria provided, single submitter. Criteria: LabCorp Variant Classification Summary - May 2015. Collection method: clinical testing. Allele origin: germline.
Comment: Variant summary: NBEA c.4511C>T (p.Pro1504Leu) results in a non-conservative amino acid change in the encoded protein sequence. Three of five in-silico tools predict a benign effect of the variant on protein function. The variant allele was found at a frequency of 0.00046 in 248310 control chromosomes in the gnomAD database, including 3 homozygotes. This frequency is not significantly higher than estimated for a pathogenic variant in NBEA causing Neurodevelopmental Disorder With Or Without Early-Onset Generalized Epilepsy, allowing no conclusion about variant significance. To our knowledge, no occurrence of c.4511C>T in individuals affected with Neurodevelopmental Disorder With Or Without Early-Onset Generalized Epilepsy and no experimental evidence demonstrating its impact on protein function have been reported. No submitters have cited clinical-significance assessments for this variant to ClinVar. Based on the evidence outlined above, the variant was classified as uncertain significance.